The following is an entry in ClinVar:

ClinVar aggregate classification (germline): Uncertain significance (1 of 4 stars; one submission).

Conditions:
Cardiomyopathy (CMYO). Also called: Cardiomyopathies. Identifiers: Orphanet 167848, MedGen C0878544, MONDO:0004994, HP:0001638. Inheritance: Various modes of inheritance.

Allele frequency attached by ClinVar (database versions not stated): gnomAD exomes below 0.00001; TOPMed below 0.00001; gnomAD 0.00001.
gnomAD v4.1: 4 of 1,613,152 alleles (0.00025%); highest among the groups gnomAD compares: Non-Finnish European, 0.00034%; no homozygotes.

Submission:

Color Diagnostics, LLC DBA Color Health
Classification: Uncertain significance for Cardiomyopathy. Last evaluated: 2023-12-04. Review status: criteria provided, single submitter. Criteria: ACMG Guidelines, 2015. Collection method: clinical testing. Allele origin: germline.
Comment: This missense variant replaces serine with asparagine at codon 2366 of the RYR2 protein. Computational prediction tools and conservation analyses are inconclusive regarding the impact of this variant on the protein function. Computational splicing tools suggest that this variant may not impact RNA splicing. To our knowledge, functional assays have not been performed for this variant nor has this variant been reported in individuals affected with cardiovascular disorders in the literature. This variant has not been identified in the general population by the Genome Aggregation Database (gnomAD). Available evidence is insufficient to determine the role of this variant in disease conclusively. Therefore, this variant is classified as a Variant of Uncertain Significance.

NM_001035.3(RYR2):c.7097G>A (p.Ser2366Asn)

Gene: RYR2 (ryanodine receptor 2; plus strand). Cytogenetic location: 1q43.
Variant type: single nucleotide variant.
Coding change: c.7097G>A on transcript NM_001035.3 (MANE Select); coding-DNA position 7097, G replaced by A.
Protein change: p.Ser2366Asn; replaces serine 2366 with asparagine.
Molecular consequence: missense variant.
Genome position (GRCh38, 1-based): chr1:237,639,183, G>A. VCF-style: chr1-237639183-G-A. GRCh37 (hg19) VCF-style: chr1-237802483-G-A.
Other names: short protein forms S2366N.
Identifiers: ClinVar variation 926831 (VCV000926831.5), dbSNP rs1390457488, ClinGen allele CA345396075.